The following is an entry in ClinVar:

NM_021830.5(TWNK):c.1115A>G (p.Gln372Arg)

Gene: TWNK (twinkle mtDNA helicase; plus strand). Cytogenetic location: 10q24.31.
Variant type: single nucleotide variant.
Coding change: c.1115A>G on transcript NM_021830.5 (MANE Select); coding-DNA position 1115, A replaced by G.
Protein change: p.Gln372Arg; replaces glutamine 372 with arginine.
Molecular consequence: missense variant. On other transcripts: non-coding transcript variant (4), intron variant (3).
Genome position (GRCh38, 1-based): chr10:100,989,325, A>G. VCF-style: chr10-100989325-A-G. GRCh37 (hg19) VCF-style: chr10-102749082-A-G.
Other names: c.-119-319A>G (NM_001163814.2, NM_001163813.2); c.-57-381A>G (NM_001368275.1); c.1115A>G, p.Gln372Arg (NM_001163812.2); short protein forms Q372R.
Identifiers: ClinVar variation 3655904 (VCV003655904.2).

ClinVar aggregate classification (germline): Uncertain significance (1 of 4 stars; one submission).

Submission:

Labcorp Genetics (formerly Invitae), Labcorp
Classification: Uncertain significance. Last evaluated: 2024-06-08. Review status: criteria provided, single submitter. Criteria: Invitae Variant Classification Sherloc (09022015). Collection method: clinical testing. Allele origin: germline.
Comment: This sequence change replaces glutamine, which is neutral and polar, with arginine, which is basic and polar, at codon 372 of the TWNK protein (p.Gln372Arg). This variant is not present in population databases (gnomAD no frequency). This variant has not been reported in the literature in individuals affected with TWNK-related conditions. Advanced modeling of protein sequence and biophysical properties (such as structural, functional, and spatial information, amino acid conservation, physicochemical variation, residue mobility, and thermodynamic stability) performed at Invitae indicates that this missense variant is expected to disrupt TWNK protein function with a positive predictive value of 95%. In summary, the available evidence is currently insufficient to determine the role of this variant in disease. Therefore, it has been classified as a Variant of Uncertain Significance.